The following is an entry in ClinVar:

NM_001330700.2(TOP2B):c.4790T>C (p.Leu1597Pro)

Gene: TOP2B (DNA topoisomerase II beta; minus strand). Cytogenetic location: 3p24.2.
Variant type: single nucleotide variant.
Coding change: c.4790T>C on transcript NM_001330700.2 (MANE Select); coding-DNA position 4790, T replaced by C.
Protein change: p.Leu1597Pro; replaces leucine 1597 with proline.
Molecular consequence: missense variant.
Genome position (GRCh38, 1-based): chr3:25,598,398, A>G on the plus strand (T>C on the coding strand, the complement: TOP2B is on the minus strand). VCF-style: chr3-25598398-A-G. GRCh37 (hg19) VCF-style: chr3-25639889-A-G.
Other names: c.4775T>C, p.Leu1592Pro (NM_001068.3); short protein forms L1597P, L1592P.
Identifiers: ClinVar variation 2986642 (VCV002986642.3), dbSNP rs2529843925, ClinGen allele CA351890034.

ClinVar aggregate classification (germline): Uncertain significance (1 of 4 stars; one submission).

Allele frequency attached by ClinVar (database versions not stated): gnomAD exomes below 0.00001.
gnomAD v4.1: 1 of 1,613,686 alleles (0.000062%); highest among the groups gnomAD compares: Non-Finnish European, 0.000085%; no homozygotes.

Submission:

Labcorp Genetics (formerly Invitae), Labcorp
Classification: Uncertain significance. Last evaluated: 2022-12-15. Review status: criteria provided, single submitter. Criteria: Invitae Variant Classification Sherloc (09022015). Collection method: clinical testing. Allele origin: germline.
Comment: This variant is not present in population databases (gnomAD no frequency). In summary, the available evidence is currently insufficient to determine the role of this variant in disease. Therefore, it has been classified as a Variant of Uncertain Significance. Algorithms developed to predict the effect of missense changes on protein structure and function (SIFT, PolyPhen-2, Align-GVGD) all suggest that this variant is likely to be tolerated. This variant has not been reported in the literature in individuals affected with TOP2B-related conditions. This sequence change replaces leucine, which is neutral and non-polar, with proline, which is neutral and non-polar, at codon 1592 of the TOP2B protein (p.Leu1592Pro).